The following is an entry in ClinVar:

ClinVar aggregate classification (germline): Likely pathogenic (1 of 4 stars; one submission).

Conditions:
Cornelia de Lange syndrome 4 (CDLS4). Also called: RAD21-Related Cornelia de Lange Syndrome; CORNELIA DE LANGE SYNDROME 4 WITH OR WITHOUT MIDLINE BRAIN DEFECTS. Identifiers: Orphanet 199, MedGen C3553517, MONDO:0013864, OMIM 614701.

Submission:

Genetics and Molecular Pathology, SA Pathology
Classification: Likely pathogenic for Cornelia de Lange syndrome 4. Last evaluated: 2020-03-13. Review status: criteria provided, single submitter. Criteria: ACMG Guidelines, 2015. Collection method: clinical testing. Allele origin: germline. Affected: yes.
Comment: PVS1 + PM2

NM_006265.3(RAD21):c.548T>G (p.Leu183Ter)

Gene: RAD21 (RAD21 cohesin complex component; minus strand). Cytogenetic location: 8q24.11.
Variant type: single nucleotide variant.
Coding change: c.548T>G on transcript NM_006265.3 (MANE Select); coding-DNA position 548, T replaced by G.
Protein change: p.Leu183Ter; replaces leucine 183 with a stop codon.
Molecular consequence: nonsense.
Genome position (GRCh38, 1-based): chr8:116,857,407, A>C on the plus strand (T>G on the coding strand, the complement: RAD21 is on the minus strand). VCF-style: chr8-116857407-A-C. GRCh37 (hg19) VCF-style: chr8-117869646-A-C.
Other names: short protein forms L183*.
Identifiers: ClinVar variation 1803117 (VCV001803117.1), dbSNP rs2537297841, ClinGen allele CA372006745.